The following is an entry in ClinVar:

ClinVar aggregate classification (germline): Uncertain significance (1 of 4 stars; one submission).

Conditions:
Hereditary cancer-predisposing syndrome. Also called: Hereditary neoplastic syndrome; Hereditary Cancer Syndrome; Neoplastic Syndromes, Hereditary; Tumor predisposition. Identifiers: Orphanet 140162, MedGen C0027672, MeSH D009386, MONDO:0015356.

Submission:

Ambry Genetics
Classification: Uncertain significance for Hereditary cancer-predisposing syndrome. Last evaluated: 2023-05-15. Review status: criteria provided, single submitter. Criteria: Ambry Variant Classification Scheme 2023. Collection method: clinical testing. Allele origin: germline.
Comment: The p.S106C variant (also known as c.317C>G), located in coding exon 2 of the KIT gene, results from a C to G substitution at nucleotide position 317. The serine at codon 106 is replaced by cysteine, an amino acid with dissimilar properties. This amino acid position is conserved. In addition, this alteration is predicted to be tolerated by in silico analysis. Since supporting evidence is limited at this time, the clinical significance of this alteration remains unclear.

NM_000222.3(KIT):c.317C>G (p.Ser106Cys)

Gene: KIT (KIT proto-oncogene, receptor tyrosine kinase; plus strand). Cytogenetic location: 4q12.
Variant type: single nucleotide variant.
Coding change: c.317C>G on transcript NM_000222.3 (MANE Select); coding-DNA position 317, C replaced by G.
Protein change: p.Ser106Cys; replaces serine 106 with cysteine.
Molecular consequence: missense variant.
Genome position (GRCh38, 1-based): chr4:54,695,761, C>G. VCF-style: chr4-54695761-C-G. GRCh37 (hg19) VCF-style: chr4-55561927-C-G.
Other names: c.317C>G, p.Ser106Cys (NM_001093772.2, NM_001385284.1, NM_001385285.1 and 4 more transcripts); short protein forms S106C.
Identifiers: ClinVar variation 2568313 (VCV002568313.2), dbSNP rs779652404, ClinGen allele CA356897318.
Genomic context (GRCh38, chr4:54,695,761, plus strand): 5'-AGGCAGAAGCCACCAACACCGGCAAATACACGTGCACCAACAAACACGGCTTAAGCAATT[C>G]CATTTATGTGTTTGTTAGAGGTAAATGCTTGGCTTTCTGCAGTGCTGTGCTTTCAAGAAT-3'
Protein context (NP_000213.1, residues 96-116): TCTNKHGLSN[Ser106Cys]IYVFVRDPAK